The following is an entry in ClinVar:

NM_002711.4(PPP1R3A):c.2821A>G (p.Met941Val)

Gene: PPP1R3A (protein phosphatase 1 regulatory subunit 3A; minus strand). Cytogenetic location: 7q31.1.
Variant type: single nucleotide variant.
Coding change: c.2821A>G on transcript NM_002711.4 (MANE Select); coding-DNA position 2821, A replaced by G.
Protein change: p.Met941Val; replaces methionine 941 with valine.
Molecular consequence: missense variant.
Genome position (GRCh38, 1-based): chr7:113,878,271, T>C on the plus strand (A>G on the coding strand, the complement: PPP1R3A is on the minus strand). VCF-style: chr7-113878271-T-C. GRCh37 (hg19) VCF-style: chr7-113518326-T-C.
Other names: c.2821A>G (NM_002711.3); short protein forms M941V.
Identifiers: ClinVar variation 917450 (VCV000917450.3), dbSNP rs772082412, ClinGen allele CA4445000.

ClinVar aggregate classification (germline): Uncertain significance. Review status: criteria provided, multiple submitters, no conflicts (2 of 4 stars). 2 submissions from 2 submitters: Uncertain significance (2). Last evaluated 2022-08-02.

Conditions:
Monogenic diabetes. Identifiers: Orphanet 183625, MedGen C3888631, MONDO:0015967.

Allele frequency attached by ClinVar (database versions not stated): gnomAD exomes 0.00002 and 0.00007; gnomAD 0.00003 and 0.00004; TOPMed 0.00003; ExAC 0.00008.
gnomAD v4.1: 34 of 1,613,074 alleles (0.0021%); highest among the groups gnomAD compares: Admixed American, 0.017%; no homozygotes.

Submissions (2):

Ambry Genetics
Classification: Uncertain significance. Last evaluated: 2022-08-02. Review status: criteria provided, single submitter. Criteria: Ambry Variant Classification Scheme 2023. Collection method: clinical testing. Allele origin: germline.

Personalized Diabetes Medicine Program, University of Maryland School of Medicine
Classification: Uncertain significance for Monogenic diabetes. Last evaluated: 2017-03-24. Review status: criteria provided, single submitter. Criteria: ACMG Guidelines, 2015. Collection method: research. Allele origin: unknown. Observed: 1 variant allele, 1 heterozygote.
Comment: ACMG criteria: BP4 (9 predictors)